The following is an entry in ClinVar:

ClinVar aggregate classification (germline): Uncertain significance (1 of 4 stars; one submission).

Conditions:
Norman-Roberts syndrome (LIS2). Also called: Lissencephaly 2 (Norman-Roberts type). Identifiers: Orphanet 89844, MedGen C0796089, MONDO:0009760, OMIM 257320.
Familial temporal lobe epilepsy 7. Identifiers: Orphanet 101046, MedGen C4225327, MONDO:0014639, OMIM 616436.

Submission:

Labcorp Genetics (formerly Invitae), Labcorp
Classification: Uncertain significance for Familial temporal lobe epilepsy 7; Norman-Roberts syndrome. Last evaluated: 2022-08-16. Review status: criteria provided, single submitter. Criteria: Invitae Variant Classification Sherloc (09022015). Collection method: clinical testing. Allele origin: germline.
Comment: This variant is not present in population databases (gnomAD no frequency). This sequence change replaces methionine, which is neutral and non-polar, with lysine, which is basic and polar, at codon 2185 of the RELN protein (p.Met2185Lys). This variant has not been reported in the literature in individuals affected with RELN-related conditions. ClinVar contains an entry for this variant (Variation ID: 1377035). Algorithms developed to predict the effect of missense changes on protein structure and function are either unavailable or do not agree on the potential impact of this missense change (SIFT: "Deleterious"; PolyPhen-2: "Benign"; Align-GVGD: "Class C0"). In summary, the available evidence is currently insufficient to determine the role of this variant in disease. Therefore, it has been classified as a Variant of Uncertain Significance.

NM_005045.4(RELN):c.6554T>A (p.Met2185Lys)

Gene: RELN (reelin; minus strand). Cytogenetic location: 7q22.1.
Variant type: single nucleotide variant.
Coding change: c.6554T>A on transcript NM_005045.4 (MANE Select); coding-DNA position 6554, T replaced by A.
Protein change: p.Met2185Lys; replaces methionine 2185 with lysine.
Molecular consequence: missense variant.
Genome position (GRCh38, 1-based): chr7:103,542,848, A>T on the plus strand (T>A on the coding strand, the complement: RELN is on the minus strand). VCF-style: chr7-103542848-A-T. GRCh37 (hg19) VCF-style: chr7-103183295-A-T.
Other names: c.6554T>A, p.Met2185Lys (NM_173054.3); short protein forms M2185K.
Identifiers: ClinVar variation 1377035 (VCV001377035.6), dbSNP rs2117134647, ClinGen allele CA368770589.